The following is an entry in ClinVar:

ClinVar aggregate classification (germline): Uncertain significance. Review status: criteria provided, multiple submitters, no conflicts (2 of 4 stars). 2 submissions from 2 submitters: Uncertain significance (2). Last evaluated 2024-07-15.

Conditions:
Inborn genetic diseases. Identifiers: MedGen C0950123, MeSH D030342.
MOGS-congenital disorder of glycosylation. Also called: CDG IIb; GLUCOSIDASE I DEFICIENCY; MOGS-CDG; CDG 2B. Identifiers: Orphanet 79330, MedGen C1853736, MONDO:0011629, OMIM 606056.

gnomAD v4.1: 14 of 1,613,774 alleles (0.00087%); highest among the groups gnomAD compares: East Asian, 0.0045%; no homozygotes.

Submissions (2):

Ambry Genetics
Classification: Uncertain significance for Inborn genetic diseases. Last evaluated: 2024-07-15. Review status: criteria provided, single submitter. Criteria: Ambry Variant Classification Scheme 2023. Collection method: clinical testing. Allele origin: germline.

Labcorp Genetics (formerly Invitae), Labcorp
Classification: Uncertain significance for MOGS-congenital disorder of glycosylation. Last evaluated: 2022-03-12. Review status: criteria provided, single submitter. Criteria: Invitae Variant Classification Sherloc (09022015). Collection method: clinical testing. Allele origin: germline.
Comment: In summary, the available evidence is currently insufficient to determine the role of this variant in disease. Therefore, it has been classified as a Variant of Uncertain Significance. Algorithms developed to predict the effect of missense changes on protein structure and function (SIFT, PolyPhen-2, Align-GVGD) all suggest that this variant is likely to be disruptive. ClinVar contains an entry for this variant (Variation ID: 972083). This variant has not been reported in the literature in individuals affected with MOGS-related conditions. This variant is present in population databases (rs772354380, gnomAD 0.006%). This sequence change replaces isoleucine, which is neutral and non-polar, with threonine, which is neutral and polar, at codon 402 of the MOGS protein (p.Ile402Thr).

NM_006302.3(MOGS):c.1205T>C (p.Ile402Thr)

Gene: MOGS (mannosyl-oligosaccharide glucosidase; minus strand). Cytogenetic location: 2p13.1.
Variant type: single nucleotide variant.
Coding change: c.1205T>C on transcript NM_006302.3 (MANE Select); coding-DNA position 1205, T replaced by C.
Protein change: p.Ile402Thr; replaces isoleucine 402 with threonine.
Molecular consequence: missense variant.
Genome position (GRCh38, 1-based): chr2:74,462,584, A>G on the plus strand (T>C on the coding strand, the complement: MOGS is on the minus strand). VCF-style: chr2-74462584-A-G. GRCh37 (hg19) VCF-style: chr2-74689711-A-G.
Other names: c.887T>C, p.Ile296Thr (NM_001146158.2); short protein forms I296T, I402T.
Identifiers: ClinVar variation 972083 (VCV000972083.11), dbSNP rs772354380, ClinGen allele CA1724829.